The following is an entry in ClinVar:

ClinVar aggregate classification (germline): Pathogenic (1 of 4 stars; one submission).

Submission:

Labcorp Genetics (formerly Invitae), Labcorp
Classification: Pathogenic. Last evaluated: 2022-09-22. Review status: criteria provided, single submitter. Criteria: Invitae Variant Classification Sherloc (09022015). Collection method: clinical testing. Allele origin: germline.
Comment: For these reasons, this variant has been classified as Pathogenic. ClinVar contains an entry for this variant (Variation ID: 1453405). This variant has not been reported in the literature in individuals affected with MSH3-related conditions. This variant is not present in population databases (gnomAD no frequency). This sequence change creates a premature translational stop signal (p.Thr981Argfs*6) in the MSH3 gene. It is expected to result in an absent or disrupted protein product. Loss-of-function variants in MSH3 are known to be pathogenic (PMID: 27476653).

Literature cited by the submitters: PubMed 27476653.

NM_002439.5(MSH3):c.2938_2941dup (p.Thr981fs)

Gene: MSH3 (mutS homolog 3; plus strand). Cytogenetic location: 5q14.1.
Variant type: Duplication.
Coding change: c.2938_2941dup on transcript NM_002439.5 (MANE Select); coding-DNA positions 2938 to 2941, 4 bases duplicated (GGGA; older notation c.2938_2941dupGGGA).
Protein change: p.Thr981fs; shifts the reading frame from threonine 981.
Molecular consequence: frameshift variant.
Genome position (GRCh38, 1-based): chr5:80,854,254-80,854,257, GGGA duplicated; duplicating any 4 consecutive bases within chr5:80,854,252-80,854,257 gives the same sequence; the c. name uses the placement nearest the transcript's 3' end. VCF-style (leftmost placement, unchanged base first): chr5-80854251-A-AGAGG. GRCh37 (hg19) VCF-style: chr5-80150070-A-AGAGG.
Other names: short protein forms T981fs.
Identifiers: ClinVar variation 1453405 (VCV001453405.6), dbSNP rs2112106537, ClinGen allele CA2573139940.